The following is an entry in ClinVar:

ClinVar aggregate classification (germline): Likely benign (0 of 4 stars; one submission).

Conditions:
MDN1-related disorder. Also called: MDN1-related condition.

Allele frequency attached by ClinVar (database versions not stated): ESP Exome Variant Server 0.00015; gnomAD 0.00021; TOPMed 0.00028; ExAC 0.00035; 1000 Genomes Project 30x 0.00062; 1000 Genomes Project 0.00080.
gnomAD v4.1: 239 of 1,606,446 alleles (0.015%); highest among the groups gnomAD compares: East Asian, 0.31%; 1 homozygote.

Submission:

PreventionGenetics, part of Exact Sciences
Classification: Likely benign for MDN1-related condition. Last evaluated: 2020-02-24. Review status: no assertion criteria provided. Collection method: clinical testing. Allele origin: germline.
Comment: This variant is classified as likely benign based on ACMG/AMP sequence variant interpretation guidelines (Richards et al. 2015 PMID: 25741868, with internal and published modifications).

NM_014611.3(MDN1):c.2448C>T (p.Phe816=)

Gene: MDN1 (midasin AAA ATPase 1; minus strand). Cytogenetic location: 6q15.
Variant type: single nucleotide variant.
Coding change: c.2448C>T on transcript NM_014611.3 (MANE Select); coding-DNA position 2448, C replaced by T.
Protein change: p.Phe816=; no amino-acid change (phenylalanine 816 retained).
Molecular consequence: synonymous variant.
Genome position (GRCh38, 1-based): chr6:89,761,657, G>A on the plus strand (C>T on the coding strand, the complement: MDN1 is on the minus strand). VCF-style: chr6-89761657-G-A. GRCh37 (hg19) VCF-style: chr6-90471376-G-A.
Identifiers: ClinVar variation 3051651 (VCV003051651.2), dbSNP rs368899195, ClinGen allele CA3925649.